The following is an entry in ClinVar:

ClinVar aggregate classification (germline): Uncertain significance (1 of 4 stars; one submission).

gnomAD v4.1: 2 of 1,613,734 alleles (0.00012%); highest among the groups gnomAD compares: Non-Finnish European, 0.000085%; no homozygotes.

Submission:

GeneDx
Classification: Uncertain significance. Last evaluated: 2024-07-16. Review status: criteria provided, single submitter. Criteria: GeneDx Variant Classification Process June 2021. Collection method: clinical testing. Allele origin: germline. Affected: yes.
Comment: Not observed at significant frequency in large population cohorts (gnomAD); In silico analysis supports that this missense variant has a deleterious effect on protein structure/function; Has not been previously published as pathogenic or benign to our knowledge

NM_000064.4(C3):c.920T>C (p.Leu307Pro)

Gene: C3 (complement C3; minus strand). Cytogenetic location: 19p13.3.
Variant type: single nucleotide variant.
Coding change: c.920T>C on transcript NM_000064.4 (MANE Select); coding-DNA position 920, T replaced by C.
Protein change: p.Leu307Pro; replaces leucine 307 with proline.
Molecular consequence: missense variant.
Genome position (GRCh38, 1-based): chr19:6,713,272, A>G on the plus strand (T>C on the coding strand, the complement: C3 is on the minus strand). VCF-style: chr19-6713272-A-G. GRCh37 (hg19) VCF-style: chr19-6713283-A-G.
Other names: short protein forms L307P.
Identifiers: ClinVar variation 3573704 (VCV003573704.1).